The following is an entry in ClinVar:

ClinVar aggregate classification (germline): Likely benign. Review status: criteria provided, multiple submitters, no conflicts (2 of 4 stars). 2 submissions from 2 submitters: Likely benign (2). Last evaluated 2024-03-13.

Conditions:
Autosomal recessive limb-girdle muscular dystrophy type 2J (LGMDR10). Also called: Limb-girdle muscular dystrophy, type 2J; MUSCULAR DYSTROPHY, LIMB-GIRDLE, AUTOSOMAL RECESSIVE 10. Identifiers: Orphanet 140922, MedGen C1837342, MONDO:0012127, OMIM 608807.
Dilated cardiomyopathy 1G (CMD1G). Identifiers: Orphanet 154, MedGen C1858763, MONDO:0011400, OMIM 604145.

gnomAD v4.1: 33 of 1,613,278 alleles (0.002%); highest among the groups gnomAD compares: South Asian, 0.034%; no homozygotes.

Submissions (2):

Labcorp Genetics (formerly Invitae), Labcorp
Classification: Likely benign for Dilated cardiomyopathy 1G; Autosomal recessive limb-girdle muscular dystrophy type 2J. Last evaluated: 2024-03-13. Review status: criteria provided, single submitter. Criteria: Invitae Variant Classification Sherloc (09022015). Collection method: clinical testing. Allele origin: germline.

CeGaT Center for Human Genetics Tuebingen
Classification: Likely benign. Last evaluated: 2023-04-01. Review status: criteria provided, single submitter. Criteria: CeGaT Center For Human Genetics Tuebingen Variant Classification Criteria Version 2. Collection method: clinical testing. Allele origin: germline. Affected: yes. Observed: 1 variant allele.
Comment: TTN: BP4, BP7

NM_001267550.2(TTN):c.79281C>T (p.Asp26427=)

Genes: TTN (titin; minus strand), TTN-AS1 (TTN antisense RNA 1; plus strand). Cytogenetic location: 2q31.2.
Variant type: single nucleotide variant.
Coding change: c.79281C>T on transcript NM_001267550.2 (MANE Select); coding-DNA position 79281, C replaced by T.
Protein change: p.Asp26427=; no amino-acid change (aspartic acid 26427 retained).
Molecular consequence: synonymous variant.
Genome position (GRCh38, 1-based): chr2:178,566,851, G>A on the plus strand (C>T on the coding strand, the complement: TTN is on the minus strand). VCF-style: chr2-178566851-G-A. GRCh37 (hg19) VCF-style: chr2-179431578-G-A.
Other names: c.74358C>T, p.Asp24786= (NM_001256850.1); c.52086C>T, p.Asp17362= (NM_003319.4); c.71577C>T, p.Asp23859= (NM_133378.4); c.52461C>T, p.Asp17487= (NM_133432.3); c.52662C>T, p.Asp17554= (NM_133437.4).
Identifiers: ClinVar variation 2571105 (VCV002571105.29), dbSNP rs766994654, ClinGen allele CA1989497.
Genomic context (GRCh38, chr2:178,566,851, plus strand): 5'-TCTTAGACGCAAATCTGTAATGCGGCGTTTATTACATTTTATCCATCGAATGCCACTTCT[G>A]TCTCTTTTCTCTACAATGTAACCAATAATCTCACTTCCACCATCACTATCTGGACGGTTC-3'
Protein context (NP_001254479.2, residues 26417-26437): EIIGYIVEKR[Asp26427=]RSGIRWIKCN